The following is an entry in ClinVar:

ClinVar aggregate classification (germline): Uncertain significance. Review status: criteria provided, multiple submitters, no conflicts (2 of 4 stars). 2 submissions from 2 submitters: Uncertain significance (2). Last evaluated 2025-09-16.

Conditions:
Hereditary cancer-predisposing syndrome. Also called: Tumor predisposition; Hereditary neoplastic syndrome; Hereditary Cancer Syndrome; Neoplastic Syndromes, Hereditary. Identifiers: Orphanet 140162, MedGen C0027672, MeSH D009386, MONDO:0015356.
Familial adenomatous polyposis 1 (FAP1). Also called: POLYPOSIS, ADENOMATOUS INTESTINAL; FAMILIAL ADENOMATOUS POLYPOSIS 1, ATTENUATED. Identifiers: MedGen C2713442, MONDO:0021056, OMIM 175100. Disease mechanism: loss of function.

Submissions (2):

Labcorp Genetics (formerly Invitae), Labcorp
Classification: Uncertain significance for Familial adenomatous polyposis 1. Last evaluated: 2025-09-16. Review status: criteria provided, single submitter. Criteria: Invitae Variant Classification Sherloc (09022015). Collection method: clinical testing. Allele origin: germline.
Comment: This sequence change replaces histidine, which is basic and polar, with arginine, which is basic and polar, at codon 806 of the APC protein (p.His806Arg). This variant is not present in population databases (gnomAD no frequency). This variant has not been reported in the literature in individuals affected with APC-related conditions. ClinVar contains an entry for this variant (Variation ID: 578076). Invitae Evidence Modeling of protein sequence and biophysical properties (such as structural, functional, and spatial information, amino acid conservation, physicochemical variation, residue mobility, and thermodynamic stability) indicates that this missense variant is not expected to disrupt APC protein function with a negative predictive value of 95%. In summary, the available evidence is currently insufficient to determine the role of this variant in disease. Therefore, it has been classified as a Variant of Uncertain Significance.

Ambry Genetics
Classification: Uncertain significance for Hereditary cancer-predisposing syndrome. Last evaluated: 2023-11-08. Review status: criteria provided, single submitter. Criteria: Ambry Variant Classification Scheme 2023. Collection method: clinical testing. Allele origin: germline.
Comment: The p.H806R variant (also known as c.2417A>G), located in coding exon 15 of the APC gene, results from an A to G substitution at nucleotide position 2417. The histidine at codon 806 is replaced by arginine, an amino acid with highly similar properties. This amino acid position is conserved. In addition, in silico predictors for this gene do not accurately predict pathogenicity. Since supporting evidence is limited at this time, the clinical significance of this alteration remains unclear.

NM_000038.6(APC):c.2417A>G (p.His806Arg)

Gene: APC (APC regulator of Wnt signaling pathway; plus strand). Cytogenetic location: 5q22.2.
Variant type: single nucleotide variant.
Coding change: c.2417A>G on transcript NM_000038.6 (MANE Select); coding-DNA position 2417, A replaced by G.
Protein change: p.His806Arg; replaces histidine 806 with arginine.
Molecular consequence: missense variant.
Genome position (GRCh38, 1-based): chr5:112,838,011, A>G. VCF-style: chr5-112838011-A-G. GRCh37 (hg19) VCF-style: chr5-112173708-A-G.
Other names: c.2417A>G, p.His806Arg (NM_001127510.3, NM_001354895.2); c.2363A>G, p.His788Arg (NM_001127511.3); c.2471A>G, p.His824Arg (NM_001354896.2); c.2447A>G, p.His816Arg (NM_001354897.2); c.2342A>G, p.His781Arg (NM_001354898.2); c.2333A>G, p.His778Arg (NM_001354899.2); c.2294A>G, p.His765Arg (NM_001354900.2); c.2240A>G, p.His747Arg (NM_001354901.2); and 5 more; short protein forms H806R, H788R, H646R, H705R, H715R, H778R, H781R, H523R.
Identifiers: ClinVar variation 578076 (VCV000578076.11), dbSNP rs1561576972, ClinGen allele CA16026639.